The following is an entry in ClinVar:

NM_020166.5(MCCC1):c.666del (p.Glu223fs)

Gene: MCCC1 (methylcrotonyl-CoA carboxylase subunit 1; minus strand). Cytogenetic location: 3q27.1.
Variant type: Deletion.
Coding change: c.666del on transcript NM_020166.5 (MANE Select); coding-DNA position 666, one base deleted (A; older notation c.666delA).
Protein change: p.Glu223fs; shifts the reading frame from glutamic acid 223.
Molecular consequence: frameshift variant. On other transcripts: non-coding transcript variant (2).
Genome position (GRCh38, 1-based): chr3:183,071,094, T deleted on the plus strand (A on the coding strand, the reverse complement: MCCC1 is on the minus strand); the first of 2 consecutive T bases (chr3:183,071,094-183,071,095); deleting either gives the same sequence. VCF-style (leftmost placement, unchanged base first): chr3-183071093-CT-C. GRCh37 (hg19) VCF-style: chr3-182788881-CT-C.
Other names: c.315del, p.Glu106fs (NM_001293273.2); c.339del, p.Glu114fs (NM_001363880.1); short protein forms E106fs, E114fs, E223fs.
Identifiers: ClinVar variation 4816038 (VCV004816038.1).

ClinVar aggregate classification (germline): Likely pathogenic (1 of 4 stars; one submission).

Conditions:
3-methylcrotonyl-CoA carboxylase 1 deficiency (MCC1D). Also called: MCCD TYPE 1; METHYLCROTONYLGLYCINURIA TYPE I; MCC 1 deficiency; 3 Alpha methylcrotonylglycinuria 1. Identifiers: Orphanet 6, MedGen CN028786, MONDO:0008861, OMIM 210200.

Submission:

Natera, Inc.
Classification: Likely pathogenic for 3-methylcrotonyl-CoA carboxylase 1 deficiency. Last evaluated: 2024-08-06. Review status: criteria provided, single submitter. Criteria: Natera Variant Classification Schema (03/2026). Collection method: clinical testing. Allele origin: germline.
Comment: The c.666del variant in MCCC1 is a frameshift variant predicted to shift the reading frame beginning at codon 223 and leads to a stop codon 6 codons downstream. This variant is expected to result in nonsense mediated decay, truncation, or a dysfunctional protein product. This variant is rare in the general population with a frequency below the threshold expected for the associated phenotype(s). Given the available evidence, this variant is classified as Likely Pathogenic.